The following is an entry in ClinVar:

ClinVar aggregate classification (germline): Uncertain significance (1 of 4 stars; one submission).

Conditions:
Inborn genetic diseases. Identifiers: MedGen C0950123, MeSH D030342.

Submission:

Ambry Genetics
Classification: Uncertain significance for Inborn genetic diseases. Last evaluated: 2025-07-31. Review status: criteria provided, single submitter. Criteria: Ambry Variant Classification Scheme 2023. Collection method: clinical testing. Allele origin: germline.
Comment: The p.D538E variant (also known as c.1614T>A), located in coding exon 9 of the PIK3CA gene, results from a T to A substitution at nucleotide position 1614. The aspartic acid at codon 538 is replaced by glutamic acid, an amino acid with highly similar properties. This amino acid position is conserved. In addition, the in silico prediction for this alteration is inconclusive. Based on the available evidence, the clinical significance of this variant remains unclear.

NM_006218.4(PIK3CA):c.1614T>A (p.Asp538Glu)

Gene: PIK3CA (phosphatidylinositol-4,5-bisphosphate 3-kinase catalytic subunit alpha; plus strand). Cytogenetic location: 3q26.32.
Variant type: single nucleotide variant.
Coding change: c.1614T>A on transcript NM_006218.4 (MANE Select); coding-DNA position 1614, T replaced by A.
Protein change: p.Asp538Glu; replaces aspartic acid 538 with glutamic acid.
Molecular consequence: missense variant.
Genome position (GRCh38, 1-based): chr3:179,218,284, T>A. VCF-style: chr3-179218284-T-A. GRCh37 (hg19) VCF-style: chr3-178936072-T-A.
Other names: short protein forms D538E.
Identifiers: ClinVar variation 4136794 (VCV004136794.1).